The following is an entry in ClinVar:

ClinVar aggregate classification (germline): Likely benign. Review status: criteria provided, single submitter (1 of 4 stars). 2 submissions from 2 submitters: Likely benign (1). 1 of the submissions does not count toward it. Last evaluated 2023-04-05.

Conditions:
Cardiovascular phenotype. Identifiers: MedGen CN230736.
TNXB-related disorder. Also called: TNXB-related condition.

Allele frequency attached by ClinVar (database versions not stated): ExAC 0.00016; ESP Exome Variant Server 0.00041.

Submissions (2):

Ambry Genetics
Classification: Likely benign for Cardiovascular phenotype. Last evaluated: 2023-04-05. Review status: criteria provided, single submitter. Criteria: Ambry Variant Classification Scheme 2023. Collection method: clinical testing. Allele origin: germline.

PreventionGenetics, part of Exact Sciences
Classification: Likely benign for TNXB-related condition. Last evaluated: 2019-03-04. Review status: no assertion criteria provided. Collection method: clinical testing. Allele origin: germline. Not counted in ClinVar's aggregate classification.
Comment: This variant is classified as likely benign based on ACMG/AMP sequence variant interpretation guidelines (Richards et al. 2015 PMID: 25741868, with internal and published modifications).

NM_001365276.2(TNXB):c.7569T>G (p.Pro2523=)

Gene: TNXB (tenascin XB; minus strand). Cytogenetic location: 6p21.33.
Variant type: single nucleotide variant.
Coding change: c.7569T>G on transcript NM_001365276.2 (MANE Select); coding-DNA position 7569, T replaced by G.
Protein change: p.Pro2523=; no amino-acid change (proline 2523 retained).
Molecular consequence: synonymous variant.
Genome position (GRCh38, 1-based): chr6:32,058,314, A>C on the plus strand (T>G on the coding strand, the complement: TNXB is on the minus strand). VCF-style: chr6-32058314-A-C. GRCh37 (hg19) VCF-style: chr6-32026091-A-C.
Other names: c.7569T>G, p.Pro2523= (NM_019105.8).
Identifiers: ClinVar variation 2560884 (VCV002560884.4), dbSNP rs367800670, ClinGen allele CA3734110.